The following is an entry in ClinVar:

NM_013382.7(POMT2):c.1744G>T (p.Val582Phe)

Gene: POMT2 (protein O-mannosyltransferase 2; minus strand). Cytogenetic location: 14q24.3.
Variant type: single nucleotide variant.
Coding change: c.1744G>T on transcript NM_013382.7 (MANE Select); coding-DNA position 1744, G replaced by T.
Protein change: p.Val582Phe; replaces valine 582 with phenylalanine.
Molecular consequence: missense variant.
Genome position (GRCh38, 1-based): chr14:77,280,062, C>A on the plus strand (G>T on the coding strand, the complement: POMT2 is on the minus strand). VCF-style: chr14-77280062-C-A. GRCh37 (hg19) VCF-style: chr14-77746405-C-A.
Other names: short protein forms V582F.
Identifiers: ClinVar variation 2202182 (VCV002202182.1), dbSNP rs902984752, ClinGen allele CA263818961.

ClinVar aggregate classification (germline): Uncertain significance (1 of 4 stars; one submission).

Conditions:
Muscular dystrophy-dystroglycanopathy (congenital with impaired intellectual development), type B, 2. Also called: Muscular dystrophy-dystroglycanopathy (congenital with intellectual disability), type B2; MUSCULAR DYSTROPHY, CONGENITAL, POMT2-RELATED. Identifiers: MedGen C3150416, MONDO:0013160, OMIM 613156.
Autosomal recessive limb-girdle muscular dystrophy type 2N. Also called: MUSCULAR DYSTROPHY-DYSTROGLYCANOPATHY, LIMB-GIRDLE, POMT2-RELATED; Muscular dystrophy-dystroglycanopathy (limb-girdle), type C, 2. Identifiers: Orphanet 206559, MedGen C3150418, MONDO:0013162, OMIM 613158.
Muscular dystrophy-dystroglycanopathy (congenital with brain and eye anomalies), type A2. Also called: MUSCULAR DYSTROPHY-DYSTROGLYCANOPATHY (CONGENITAL WITH BRAIN AND EYE ANOMALIES), TYPE A, 2; WALKER-WARBURG SYNDROME OR MUSCLE-EYE-BRAIN DISEASE, POMT2-RELATED. Identifiers: Orphanet 588, Orphanet 899, MedGen C3150411, MONDO:0013154, OMIM 613150.

Allele frequency attached by ClinVar (database versions not stated): gnomAD exomes below 0.00001.
gnomAD v4.1: 3 of 1,613,932 alleles (0.00019%); highest among the groups gnomAD compares: Admixed American, 0.0017%; no homozygotes.

Submission:

Labcorp Genetics (formerly Invitae), Labcorp
Classification: Uncertain significance for Muscular dystrophy-dystroglycanopathy (congenital with impaired intellectual development), type B, 2; Muscular dystrophy-dystroglycanopathy (congenital with brain and eye anomalies), type A2; Autosomal recessive limb-girdle muscular dystrophy type 2N. Last evaluated: 2022-07-05. Review status: criteria provided, single submitter. Criteria: Invitae Variant Classification Sherloc (09022015). Collection method: clinical testing. Allele origin: germline.
Comment: This sequence change replaces valine, which is neutral and non-polar, with phenylalanine, which is neutral and non-polar, at codon 582 of the POMT2 protein (p.Val582Phe). This variant is not present in population databases (gnomAD no frequency). This variant has not been reported in the literature in individuals affected with POMT2-related conditions. Algorithms developed to predict the effect of missense changes on protein structure and function (SIFT, PolyPhen-2, Align-GVGD) all suggest that this variant is likely to be tolerated. In summary, the available evidence is currently insufficient to determine the role of this variant in disease. Therefore, it has been classified as a Variant of Uncertain Significance.